The following is an entry in ClinVar:

ClinVar aggregate classification (germline): Uncertain significance (1 of 4 stars; one submission).

Allele frequency attached by ClinVar (database versions not stated): gnomAD 0.00001; gnomAD exomes 0.00002; ExAC 0.00005.
gnomAD v4.1: 25 of 1,561,694 alleles (0.0016%); highest among the groups gnomAD compares: East Asian, 0.0024%; no homozygotes.

Submission:

Labcorp Genetics (formerly Invitae), Labcorp
Classification: Uncertain significance. Last evaluated: 2023-06-06. Review status: criteria provided, single submitter. Criteria: Invitae Variant Classification Sherloc (09022015). Collection method: clinical testing. Allele origin: germline.
Comment: An algorithm developed to predict the effect of missense changes on protein structure and function (PolyPhen-2) suggests that this variant is likely to be tolerated. In summary, the available evidence is currently insufficient to determine the role of this variant in disease. Therefore, it has been classified as a Variant of Uncertain Significance. This variant has not been reported in the literature in individuals affected with PLD3-related conditions. The frequency data for this variant in the population databases is considered unreliable, as metrics indicate poor data quality at this position in the gnomAD database. This sequence change replaces valine, which is neutral and non-polar, with isoleucine, which is neutral and non-polar, at codon 161 of the PLD3 protein (p.Val161Ile).

NM_012268.4(PLD3):c.481G>A (p.Val161Ile)

Gene: PLD3 (phospholipase D family member 3; plus strand). Cytogenetic location: 19q13.2.
Variant type: single nucleotide variant.
Coding change: c.481G>A on transcript NM_012268.4 (MANE Select); coding-DNA position 481, G replaced by A.
Protein change: p.Val161Ile; replaces valine 161 with isoleucine.
Molecular consequence: missense variant.
Genome position (GRCh38, 1-based): chr19:40,369,959, G>A. VCF-style: chr19-40369959-G-A. GRCh37 (hg19) VCF-style: chr19-40875866-G-A.
Other names: c.481G>A, p.Val161Ile (NM_001031696.4, NM_001291311.2); short protein forms V161I.
Identifiers: ClinVar variation 2887550 (VCV002887550.3), dbSNP rs752620117, ClinGen allele CA9442747.
Genomic context (GRCh38, chr19:40,369,959, plus strand): 5'-TCCCCGCAGGGTGAGGAGGTCCTCCGGCAGCTGCAGACCCTGGCACCAAAGGGCGTGAAC[G>A]TCCGCATCGCTGTGAGCAAGCCCAGCGGGCCCCAGCCACAGGCGGACCTGCAGGCTCTGC-3'
Protein context (NP_036400.2, residues 151-171): LQTLAPKGVN[Val161Ile]RIAVSKPSGP